The following is an entry in ClinVar:

ClinVar aggregate classification (germline): Conflicting classifications of pathogenicity. Review status: criteria provided, conflicting classifications (1 of 4 stars). 2 submissions from 2 submitters: Uncertain significance (1); Likely benign (1). Last evaluated 2025-05-15.

Submissions (2):

Labcorp Genetics (formerly Invitae), Labcorp
Classification: Likely benign. Last evaluated: 2025-05-15. Review status: criteria provided, single submitter. Criteria: Invitae Variant Classification Sherloc (09022015). Collection method: clinical testing. Allele origin: germline.

Women's Health and Genetics/Laboratory Corporation of America, LabCorp
Classification: Uncertain significance. Last evaluated: 2024-05-10. Review status: criteria provided, single submitter. Criteria: LabCorp Variant Classification Summary - May 2015. Collection method: clinical testing. Allele origin: germline.
Comment: Variant summary: LRP5 c.4001-7C>T alters a non-conserved nucleotide located close to a canonical splice site and therefore could affect mRNA splicing, leading to a significantly altered protein sequence. Consensus agreement among computation tools predict no significant impact on normal splicing. However, these predictions have yet to be confirmed by functional studies. The variant allele was found at a frequency of 1.2e-05 in 250954 control chromosomes. The available data on variant occurrences in the general population are insufficient to allow any conclusion about variant significance. To our knowledge, no occurrence of c.4001-7C>T in individuals affected with Familial Exudative Vitreoretinopathy and no experimental evidence demonstrating its impact on protein function have been reported. No submitters have cited clinical-significance assessments for this variant to ClinVar. Based on the evidence outlined above, the variant was classified as uncertain significance.

NM_002335.4(LRP5):c.4001-7C>T

Gene: LRP5 (LDL receptor related protein 5; plus strand). Cytogenetic location: 11q13.2.
Variant type: single nucleotide variant.
Coding change: c.4001-7C>T on transcript NM_002335.4 (MANE Select); 7 bases into the intron before coding-DNA position 4001, C replaced by T.
Molecular consequence: intron variant.
Genome position (GRCh38, 1-based): chr11:68,436,882, C>T. VCF-style: chr11-68436882-C-T. GRCh37 (hg19) VCF-style: chr11-68204350-C-T.
Other names: c.2258-7C>T (NM_001291902.2).
Identifiers: ClinVar variation 3336048 (VCV003336048.2).